The following is an entry in ClinVar:

NM_014780.5(CUL7):c.667G>T (p.Ala223Ser)

Gene: CUL7 (cullin 7; minus strand). Cytogenetic location: 6p21.1.
Variant type: single nucleotide variant.
Coding change: c.667G>T on transcript NM_014780.5 (MANE Select); coding-DNA position 667, G replaced by T.
Protein change: p.Ala223Ser; replaces alanine 223 with serine.
Molecular consequence: missense variant.
Genome position (GRCh38, 1-based): chr6:43,051,677, C>A on the plus strand (G>T on the coding strand, the complement: CUL7 is on the minus strand). VCF-style: chr6-43051677-C-A. GRCh37 (hg19) VCF-style: chr6-43019415-C-A.
Other names: c.763G>T, p.Ala255Ser (NM_001168370.2, NM_001374872.1); c.667G>T, p.Ala223Ser (NM_001374873.1, NM_001374874.1); short protein forms A223S, A255S.
Identifiers: ClinVar variation 1046405 (VCV001046405.8), dbSNP rs1764424585, ClinGen allele CA364228642.
Genomic context (GRCh38, chr6:43,051,677, plus strand): 5'-GTAGCTGAATGCCCTCGAAAGACATGGGGTGTTCAGAGAGCGTGGCCTGTGCAAACAGTG[C>A]TAGCAGAGCACAGCGGCTGTCAAAATCCAGGTGTTTCTCAATGGCTTCTTGTTGGCTCAG-3'
Protein context (NP_055595.2, residues 213-233): LDFDSRCALL[Ala223Ser]LFAQATLSEH

ClinVar aggregate classification (germline): Uncertain significance (1 of 4 stars; one submission).

Allele frequency attached by ClinVar (database versions not stated): gnomAD exomes 0.00003.
gnomAD v4.1: 26 of 1,614,220 alleles (0.0016%); highest among the groups gnomAD compares: Non-Finnish European, 0.0021%; no homozygotes.

Submission:

Labcorp Genetics (formerly Invitae), Labcorp
Classification: Uncertain significance. Last evaluated: 2020-07-07. Review status: criteria provided, single submitter. Criteria: Invitae Variant Classification Sherloc (09022015). Collection method: clinical testing. Allele origin: germline.
Comment: This sequence change replaces alanine with serine at codon 223 of the CUL7 protein (p.Ala223Ser). The alanine residue is moderately conserved and there is a moderate physicochemical difference between alanine and serine. This variant is not present in population databases (ExAC no frequency). This variant has not been reported in the literature in individuals with CUL7-related conditions. Algorithms developed to predict the effect of missense changes on protein structure and function are either unavailable or do not agree on the potential impact of this missense change (SIFT: "Tolerated"; PolyPhen-2: "Probably Damaging"; Align-GVGD: "Class C0"). In summary, the available evidence is currently insufficient to determine the role of this variant in disease. Therefore, it has been classified as a Variant of Uncertain Significance.